The following is an entry in ClinVar:

ClinVar aggregate classification (germline): Uncertain significance. Review status: criteria provided, multiple submitters, no conflicts (2 of 4 stars). 2 submissions from 2 submitters: Uncertain significance (2). Last evaluated 2026-01-03.

Conditions:
Charcot-Marie-Tooth disease type 2. Also called: Charcot-Marie-Tooth type 2. Identifiers: Orphanet 64746, MedGen C0270914, MONDO:0018993.

Allele frequency attached by ClinVar (database versions not stated): gnomAD exomes below 0.00001.
gnomAD v4.1: 2 of 1,614,178 alleles (0.00012%); highest among the groups gnomAD compares: Non-Finnish European, 0.00017%; no homozygotes.

Submissions (2):

Ambry Genetics
Classification: Uncertain significance. Last evaluated: 2026-01-03. Review status: criteria provided, single submitter. Criteria: Ambry Variant Classification Scheme 2023. Collection method: clinical testing. Allele origin: germline.
Comment: The p.G722D variant (also known as c.2165G>A), located in coding exon 21 of the KIF1B gene, results from a G to A substitution at nucleotide position 2165. The glycine at codon 722 is replaced by aspartic acid, an amino acid with similar properties. This amino acid position is conserved. In addition, this alteration is predicted to be deleterious by in silico analysis. Based on the available evidence, the clinical significance of this variant remains unclear.

Labcorp Genetics (formerly Invitae), Labcorp
Classification: Uncertain significance for Charcot-Marie-Tooth disease type 2. Last evaluated: 2021-08-19. Review status: criteria provided, single submitter. Criteria: Invitae Variant Classification Sherloc (09022015). Collection method: clinical testing. Allele origin: germline.
Comment: In summary, the available evidence is currently insufficient to determine the role of this variant in disease. Therefore, it has been classified as a Variant of Uncertain Significance. Algorithms developed to predict the effect of missense changes on protein structure and function are either unavailable or do not agree on the potential impact of this missense change (SIFT: "Deleterious"; PolyPhen-2: "Probably Damaging"; Align-GVGD: "Class C0"). This variant has not been reported in the literature in individuals affected with KIF1B-related conditions. This variant is not present in population databases (ExAC no frequency). This sequence change replaces glycine with aspartic acid at codon 722 of the KIF1B protein (p.Gly722Asp). The glycine residue is highly conserved and there is a moderate physicochemical difference between glycine and aspartic acid.

NM_001365951.3(KIF1B):c.2303G>A (p.Gly768Asp)

Gene: KIF1B (kinesin family member 1B; plus strand). Cytogenetic location: 1p36.22.
Variant type: single nucleotide variant.
Coding change: c.2303G>A on transcript NM_001365951.3 (MANE Select); coding-DNA position 2303, G replaced by A.
Protein change: p.Gly768Asp; replaces glycine 768 with aspartic acid.
Molecular consequence: missense variant.
Genome position (GRCh38, 1-based): chr1:10,321,802, G>A. VCF-style: chr1-10321802-G-A. GRCh37 (hg19) VCF-style: chr1-10381860-G-A.
Other names: c.2303G>A, p.Gly768Asp (NM_001365952.1); c.2165G>A, p.Gly722Asp (NM_015074.3); short protein forms G722D, G768D.
Identifiers: ClinVar variation 1395265 (VCV001395265.7), dbSNP rs2102296302, ClinGen allele CA338332997.
Genomic context (GRCh38, chr1:10,321,802, plus strand): 5'-AATGGGCCTTCCGGAAATGGAAGTCTCATCAGTTTACTTCATTACGGGACTTACTCTGGG[G>A]CAATGCCGTGTACCTAAAGGAGGCCAATGCCATCAGTGTGGAACTGAAAAAGAAGGTATG-3'
Protein context (NP_001352880.1, residues 758-778): QFTSLRDLLW[Gly768Asp]NAVYLKEANA